The following is an entry in ClinVar:

NM_003105.6(SORL1):c.3251G>A (p.Arg1084His)

Genes: SORL1 (sortilin related receptor 1; plus strand), LOC130006953 (ATAC-STARR-seq lymphoblastoid active region 5661; plus strand). Cytogenetic location: 11q24.1.
Variant type: single nucleotide variant.
Coding change: c.3251G>A on transcript NM_003105.6 (MANE Select); coding-DNA position 3251, G replaced by A.
Protein change: p.Arg1084His; replaces arginine 1084 with histidine.
Molecular consequence: missense variant.
Genome position (GRCh38, 1-based): chr11:121,570,184, G>A. VCF-style: chr11-121570184-G-A. GRCh37 (hg19) VCF-style: chr11-121440893-G-A.
Other names: short protein forms R1084H.
Identifiers: ClinVar variation 4707750 (VCV004707750.1).

ClinVar aggregate classification (germline): Uncertain significance (1 of 4 stars; one submission).

gnomAD v4.1: 54 of 1,613,652 alleles (0.0033%); highest among the groups gnomAD compares: African/African-American, 0.012%; no homozygotes.

Submission:

Labcorp Genetics (formerly Invitae), Labcorp
Classification: Uncertain significance. Last evaluated: 2025-12-13. Review status: criteria provided, single submitter. Criteria: Invitae Variant Classification Sherloc (09022015). Collection method: clinical testing. Allele origin: germline.
Comment: This sequence change replaces arginine, which is basic and polar, with histidine, which is basic and polar, at codon 1084 of the SORL1 protein (p.Arg1084His). The frequency data for this variant in the population databases is considered unreliable, as metrics indicate poor data quality at this position in the gnomAD database. This variant has not been reported in the literature in individuals affected with SORL1-related conditions. An algorithm developed to predict the effect of missense changes on protein structure and function outputs the following: PolyPhen-2: "Benign". The histidine amino acid residue is found in multiple mammalian species, which suggests that this missense change does not adversely affect protein function. In summary, the available evidence is currently insufficient to determine the role of this variant in disease. Therefore, it has been classified as a Variant of Uncertain Significance.